The following is an entry in ClinVar:

NM_001903.5(CTNNA1):c.362G>C (p.Arg121Pro)

Gene: CTNNA1 (catenin alpha 1; plus strand). Cytogenetic location: 5q31.2.
Variant type: single nucleotide variant.
Coding change: c.362G>C on transcript NM_001903.5 (MANE Select); coding-DNA position 362, G replaced by C.
Protein change: p.Arg121Pro; replaces arginine 121 with proline.
Molecular consequence: missense variant. On other transcripts: intron variant (1).
Genome position (GRCh38, 1-based): chr5:138,810,098, G>C. VCF-style: chr5-138810098-G-C. GRCh37 (hg19) VCF-style: chr5-138145787-G-C.
Other names: c.362G>C, p.Arg121Pro (NM_001290307.3, NM_001323982.2, NM_001323983.1 and 3 more transcripts); c.53G>C, p.Arg18Pro (NM_001290309.3); c.-5-3G>C (NM_001290310.3); short protein forms R18P, R121P.
Identifiers: ClinVar variation 639081 (VCV000639081.8), dbSNP rs749878552, ClinGen allele CA361123006.

ClinVar aggregate classification (germline): Uncertain significance (1 of 4 stars; one submission).

gnomAD v4.1: 1 of 1,614,158 alleles (0.000062%); highest among the groups gnomAD compares: Non-Finnish European, 0.000085%; no homozygotes.

Submission:

Labcorp Genetics (formerly Invitae), Labcorp
Classification: Uncertain significance. Last evaluated: 2018-11-01. Review status: criteria provided, single submitter. Criteria: Invitae Variant Classification Sherloc (09022015). Collection method: clinical testing. Allele origin: germline.
Comment: In summary, the available evidence is currently insufficient to determine the role of this variant in disease. Therefore, it has been classified as a Variant of Uncertain Significance. Algorithms developed to predict the effect of missense changes on protein structure and function are either unavailable or do not agree on the potential impact of this missense change (SIFT: "Deleterious"; PolyPhen-2: "Probably Damaging"; Align-GVGD: "Class C0"). This variant has not been reported in the literature in individuals with CTNNA1-related disease. This variant is not present in population databases (ExAC no frequency). This sequence change replaces arginine with proline at codon 121 of the CTNNA1 protein (p.Arg121Pro). The arginine residue is highly conserved and there is a moderate physicochemical difference between arginine and proline.